The following is an entry in ClinVar:

ClinVar aggregate classification (germline): Uncertain significance (1 of 4 stars; one submission).

Submission:

Labcorp Genetics (formerly Invitae), Labcorp
Classification: Uncertain significance. Last evaluated: 2019-12-06. Review status: criteria provided, single submitter. Criteria: Invitae Variant Classification Sherloc (09022015). Collection method: clinical testing. Allele origin: germline.
Comment: This variant is not present in population databases (ExAC no frequency). In summary, the available evidence is currently insufficient to determine the role of this variant in disease. Therefore, it has been classified as a Variant of Uncertain Significance. Algorithms developed to predict the effect of missense changes on protein structure and function are either unavailable or do not agree on the potential impact of this missense change (SIFT: "Tolerated"; PolyPhen-2: "Possibly Damaging"; Align-GVGD: "Class C0"). This variant has not been reported in the literature in individuals with CNGB3-related conditions. This sequence change replaces alanine with serine at codon 511 of the CNGB3 protein (p.Ala511Ser). The alanine residue is moderately conserved and there is a moderate physicochemical difference between alanine and serine.

NM_019098.5(CNGB3):c.1531G>T (p.Ala511Ser)

Gene: CNGB3 (cyclic nucleotide gated channel subunit beta 3; minus strand). Cytogenetic location: 8q21.3.
Variant type: single nucleotide variant.
Coding change: c.1531G>T on transcript NM_019098.5 (MANE Select); coding-DNA position 1531, G replaced by T.
Protein change: p.Ala511Ser; replaces alanine 511 with serine.
Molecular consequence: missense variant.
Genome position (GRCh38, 1-based): chr8:86,626,030, C>A on the plus strand (G>T on the coding strand, the complement: CNGB3 is on the minus strand). VCF-style: chr8-86626030-C-A. GRCh37 (hg19) VCF-style: chr8-87638258-C-A.
Other names: short protein forms A511S.
Identifiers: ClinVar variation 852018 (VCV000852018.9), dbSNP rs150642676, ClinGen allele CA371442091.
Genomic context (GRCh38, chr8:86,626,030, plus strand): 5'-TAAAAGCACTTGCCTTGAACAAGTCGACTTTGCTGATGATGCTGAAGTTCACATCAATGG[C>A]GAGGGCTAACTGGACCGTAGTTGGTAGGGTCTTAAGCAAATCAGACTCATCTTTATAAAG-3'
Protein context (NP_061971.3, residues 501-521): TLPTTVQLAL[Ala511Ser]IDVNFSIISK